The following is an entry in ClinVar:

NM_002180.3(IGHMBP2):c.250A>G (p.Thr84Ala)

Gene: IGHMBP2 (immunoglobulin mu DNA binding protein 2; plus strand). Cytogenetic location: 11q13.3.
Variant type: single nucleotide variant.
Coding change: c.250A>G on transcript NM_002180.3 (MANE Select); coding-DNA position 250, A replaced by G.
Protein change: p.Thr84Ala; replaces threonine 84 with alanine.
Molecular consequence: missense variant.
Genome position (GRCh38, 1-based): chr11:68,906,232, A>G. VCF-style: chr11-68906232-A-G. GRCh37 (hg19) VCF-style: chr11-68673700-A-G.
Other names: short protein forms T84A.
Identifiers: ClinVar variation 1353393 (VCV001353393.8), dbSNP rs2154006546, ClinGen allele CA381642684.
Genomic context (GRCh38, chr11:68,906,232, plus strand): 5'-CTGGTCACCTTTGAGCCCAGGCGATACGGGTCCGCGGCAGCTCTTCCCAGTAACAGCTTT[A>G]CTTCTGGTGTGTGCGTATTGACCTAGACAGACATTGAAATTTACTGGCATTCAGACCGTG-3'
Protein context (NP_002171.2, residues 74-94): SAAALPSNSF[Thr84Ala]SGDIVGLYDA

ClinVar aggregate classification (germline): Uncertain significance (1 of 4 stars; one submission).

Conditions:
Charcot-Marie-Tooth disease axonal type 2S. Also called: CHARCOT-MARIE-TOOTH NEUROPATHY, TYPE 2S; CHARCOT-MARIE-TOOTH DISEASE, AXONAL, AUTOSOMAL RECESSIVE, TYPE 2S. Identifiers: Orphanet 443073, MedGen C4015349, MONDO:0014511, OMIM 616155.
Autosomal recessive distal spinal muscular atrophy 1. Also called: HMN VI; NEURONOPATHY, SEVERE INFANTILE AXONAL, WITH RESPIRATORY FAILURE; NEURONOPATHY, DISTAL HEREDITARY MOTOR, HARDING TYPE VI; NEUROPATHY, DISTAL HEREDITARY MOTOR, AUTOSOMAL RECESSIVE 1; SEVERE INFANTILE AXONAL NEUROPATHY WITH RESPIRATORY FAILURE; SPINAL MUSCULAR ATROPHY, DIAPHRAGMATIC. Identifiers: Orphanet 98920, MedGen C1858517, MONDO:0011436, OMIM 604320.

gnomAD v4.1: 1 of 1,614,004 alleles (0.000062%); highest among the groups gnomAD compares: Non-Finnish European, 0.000085%; no homozygotes.

Submission:

Labcorp Genetics (formerly Invitae), Labcorp
Classification: Uncertain significance for Autosomal recessive distal spinal muscular atrophy 1; Charcot-Marie-Tooth disease axonal type 2S. Last evaluated: 2021-05-18. Review status: criteria provided, single submitter. Criteria: Invitae Variant Classification Sherloc (09022015). Collection method: clinical testing. Allele origin: germline.
Comment: This variant has not been reported in the literature in individuals with IGHMBP2-related conditions. In summary, the available evidence is currently insufficient to determine the role of this variant in disease. Therefore, it has been classified as a Variant of Uncertain Significance. Advanced modeling of protein sequence and biophysical properties (such as structural, functional, and spatial information, amino acid conservation, physicochemical variation, residue mobility, and thermodynamic stability) performed at Invitae indicates that this missense variant is not expected to disrupt IGHMBP2 protein function. This variant is not present in population databases (ExAC no frequency). This sequence change replaces threonine with alanine at codon 84 of the IGHMBP2 protein (p.Thr84Ala). The threonine residue is weakly conserved and there is a small physicochemical difference between threonine and alanine.